The following is an entry in ClinVar:

ClinVar aggregate classification (germline): Likely pathogenic (1 of 4 stars; one submission).

Conditions:
Inborn genetic diseases. Identifiers: MedGen C0950123, MeSH D030342.

Submission:

Ambry Genetics
Classification: Likely pathogenic for Inborn genetic diseases. Last evaluated: 2025-11-12. Review status: criteria provided, single submitter. Criteria: Ambry Variant Classification Scheme 2023. Collection method: clinical testing. Allele origin: germline.
Comment: The c.644+1delG intronic variant, located in intron 7 of the DDX41 gene, results from a deletion of one nucleotide within intron 7 of the DDX41 gene. This nucleotide position is highly conserved in available vertebrate species. In silico splice site analysis predicts that this alteration will weaken the native splice donor site; however, direct evidence is insufficient at this time (Ambry internal data). Alterations that disrupt the canonical splice site are expected to cause aberrant splicing, resulting in an abnormal protein or a transcript that is subject to nonsense-mediated mRNA decay. As such, this alteration is classified as likely pathogenic.

NM_016222.4(DDX41):c.644+1del

Gene: DDX41 (DEAD-box helicase 41; minus strand). Cytogenetic location: 5q35.3.
Variant type: Deletion.
Coding change: c.644+1del on transcript NM_016222.4 (MANE Select); the canonical splice donor site of the intron after coding-DNA position 644, one base deleted (G; older notation c.644+1delG).
Molecular consequence: splice donor variant.
Genome position (GRCh38, 1-based): chr5:177,515,185, C deleted on the plus strand (G on the coding strand, the reverse complement: DDX41 is on the minus strand). VCF-style (leftmost placement, unchanged base first): chr5-177515184-AC-A. GRCh37 (hg19) VCF-style: chr5-176942185-AC-A.
Other names: c.266+1del (NM_001321830.2, NM_001321732.2).
Identifiers: ClinVar variation 4617173 (VCV004617173.1).